The following is an entry in ClinVar:

NM_000395.3(CSF2RB):c.1952C>A (p.Ala651Asp)

Gene: CSF2RB (colony stimulating factor 2 receptor subunit beta; plus strand). Cytogenetic location: 22q12.3.
Variant type: single nucleotide variant.
Coding change: c.1952C>A on transcript NM_000395.3 (MANE Select); coding-DNA position 1952, C replaced by A.
Protein change: p.Ala651Asp; replaces alanine 651 with aspartic acid.
Molecular consequence: missense variant.
Genome position (GRCh38, 1-based): chr22:36,937,760, C>A. VCF-style: chr22-36937760-C-A. GRCh37 (hg19) VCF-style: chr22-37333802-C-A.
Other names: c.1970C>A, p.Ala657Asp (NM_001410827.1); short protein forms A651D, A657D.
Identifiers: ClinVar variation 4694474 (VCV004694474.1).
Genomic context (GRCh38, chr22:36,937,760, plus strand): 5'-TGCCTGCTGGGGGGCAGGTGCAACTGGTCCCTCTGGCCCAGGCGATGGGACCAGGACAGG[C>A]CGTGGAAGTGGAGAGAAGGCCGAGCCAGGGGGCTGCAGGGAGTCCCTCCCTGGAGTCCGG-3'
Protein context (NP_000386.1, residues 641-661): PLAQAMGPGQ[Ala651Asp]VEVERRPSQG

ClinVar aggregate classification (germline): Uncertain significance (1 of 4 stars; one submission).

Submission:

Labcorp Genetics (formerly Invitae), Labcorp
Classification: Uncertain significance. Last evaluated: 2025-09-20. Review status: criteria provided, single submitter. Criteria: Invitae Variant Classification Sherloc (09022015). Collection method: clinical testing. Allele origin: germline.
Comment: This sequence change replaces alanine, which is neutral and non-polar, with aspartic acid, which is acidic and polar, at codon 651 of the CSF2RB protein (p.Ala651Asp). This variant is not present in population databases (gnomAD no frequency). This variant has not been reported in the literature in individuals affected with CSF2RB-related conditions. Invitae Evidence Modeling of protein sequence and biophysical properties (such as structural, functional, and spatial information, amino acid conservation, physicochemical variation, residue mobility, and thermodynamic stability) indicates that this missense variant is not expected to disrupt CSF2RB protein function with a negative predictive value of 80%. In summary, the available evidence is currently insufficient to determine the role of this variant in disease. Therefore, it has been classified as a Variant of Uncertain Significance.